The following is an entry in ClinVar:

NM_018896.5(CACNA1G):c.286G>A (p.Val96Met)

Gene: CACNA1G (calcium voltage-gated channel subunit alpha1 G; plus strand). Cytogenetic location: 17q21.33.
Variant type: single nucleotide variant.
Coding change: c.286G>A on transcript NM_018896.5 (MANE Select); coding-DNA position 286, G replaced by A.
Protein change: p.Val96Met; replaces valine 96 with methionine.
Molecular consequence: missense variant. On other transcripts: non-coding transcript variant (5).
Genome position (GRCh38, 1-based): chr17:50,568,913, G>A. VCF-style: chr17-50568913-G-A. GRCh37 (hg19) VCF-style: chr17-48646274-G-A.
Other names: c.286G>A, p.Val96Met (NM_198396.3, NM_198382.3, NM_198383.3 and 24 more transcripts); c.286G>A (NM_018896.3); short protein forms V96M.
Identifiers: ClinVar variation 1234274 (VCV001234274.34), dbSNP rs201146969, ClinGen allele CA8651909.
Genomic context (GRCh38, chr17:50,568,913, plus strand): 5'-TCCTTGACTGCCAGTACCTGGTTTGAGCGCATCAGCATGTTGGTCATCCTTCTCAACTGC[G>A]TGACCCTGGGCATGTTCCGGCCATGCGAGGACATCGCCTGTGACTCCCAGCGCTGCCGGA-3'
Protein context (NP_061496.2, residues 86-106): ISMLVILLNC[Val96Met]TLGMFRPCED

ClinVar aggregate classification (germline): Benign/Likely benign. Review status: criteria provided, multiple submitters, no conflicts (2 of 4 stars). 6 submissions from 6 submitters: Benign (1); Likely benign (4). 1 of the submissions does not count toward it. Last evaluated 2025-04-28.

Conditions:
Inborn genetic diseases. Identifiers: MedGen C0950123, MeSH D030342.
CACNA1G-related disorder. Also called: CACNA1G-related condition; CACNA1G-related disorders.

Allele frequency attached by ClinVar (database versions not stated): TOPMed 0.00028; gnomAD 0.00031; gnomAD exomes 0.00039 and 0.00069; ExAC 0.00043; ESP Exome Variant Server 0.00054.
gnomAD v4.1: 1,063 of 1,613,588 alleles (0.066%); highest among the groups gnomAD compares: Non-Finnish European, 0.081%; no homozygotes.

Submissions (6):

Labcorp Genetics (formerly Invitae), Labcorp
Classification: Likely benign. Last evaluated: 2025-04-28. Review status: criteria provided, single submitter. Criteria: Invitae Variant Classification Sherloc (09022015). Collection method: clinical testing. Allele origin: germline.

Blueprint Genetics
Classification: Likely benign. Last evaluated: 2024-09-23. Review status: criteria provided, single submitter. Criteria: ACMG Guidelines, 2015. Collection method: clinical testing. Allele origin: germline.

CeGaT Center for Human Genetics Tuebingen
Classification: Likely benign. Last evaluated: 2022-08-01. Review status: criteria provided, single submitter. Criteria: CeGaT Center For Human Genetics Tuebingen Variant Classification Criteria Version 2. Collection method: clinical testing. Allele origin: germline. Affected: yes. Observed: 1 variant allele.
Comment: CACNA1G: PP2, PP3, BS2

Ambry Genetics
Classification: Likely benign for Inborn genetic diseases. Last evaluated: 2022-01-06. Review status: criteria provided, single submitter. Criteria: Ambry Variant Classification Scheme 2023. Collection method: clinical testing. Allele origin: germline.

GeneDx
Classification: Benign. Last evaluated: 2021-04-23. Review status: criteria provided, single submitter. Criteria: GeneDx Variant Classification Process June 2021. Collection method: clinical testing. Allele origin: germline. Affected: yes.
Comment: In silico analysis, which includes protein predictors and evolutionary conservation, supports a deleterious effect; Has not been previously published as pathogenic or benign to our knowledge

PreventionGenetics, part of Exact Sciences
Classification: Likely benign for CACNA1G-related condition. Last evaluated: 2022-04-13. Review status: no assertion criteria provided. Collection method: clinical testing. Allele origin: germline. Not counted in ClinVar's aggregate classification.
Comment: This variant is classified as likely benign based on ACMG/AMP sequence variant interpretation guidelines (Richards et al. 2015 PMID: 25741868, with internal and published modifications).